The following is an entry in ClinVar:

ClinVar aggregate classification (germline): Uncertain significance (1 of 4 stars; one submission).

gnomAD v4.1: 4 of 1,614,088 alleles (0.00025%); highest among the groups gnomAD compares: Non-Finnish European, 0.00034%; no homozygotes.

Submission:

Greenwood Genetic Center Diagnostic Laboratories, Greenwood Genetic Center
Classification: Uncertain significance. Last evaluated: 2022-03-15. Review status: criteria provided, single submitter. Criteria: ACMG Guidelines, 2015. Collection method: clinical testing. Allele origin: germline. Affected: yes.
Comment: PM2

NM_001348323.3(TRIP12):c.1320T>C (p.Ser440=)

Gene: TRIP12 (thyroid hormone receptor interactor 12; minus strand). Cytogenetic location: 2q36.3.
Variant type: single nucleotide variant.
Coding change: c.1320T>C on transcript NM_001348323.3 (MANE Select); coding-DNA position 1320, T replaced by C.
Protein change: p.Ser440=; no amino-acid change (serine 440 retained).
Molecular consequence: synonymous variant.
Genome position (GRCh38, 1-based): chr2:229,830,790, A>G on the plus strand (T>C on the coding strand, the complement: TRIP12 is on the minus strand). VCF-style: chr2-229830790-A-G. GRCh37 (hg19) VCF-style: chr2-230695506-A-G.
Other names: c.1320T>C, p.Ser440= (NM_001348324.2, NM_001348325.2, NM_001348326.2 and 11 more transcripts); c.1194T>C, p.Ser398= (NM_001348331.1, NM_001284215.2, NM_001348316.2 and 2 more transcripts); c.1233T>C, p.Ser411= (NM_001348332.1); c.1176T>C, p.Ser392= (NM_004238.3); c.285T>C, p.Ser95= (NM_001284216.2).
Identifiers: ClinVar variation 1676489 (VCV001676489.3), dbSNP rs1387032124, ClinGen allele CA431532770.